The following is an entry in ClinVar:

ClinVar aggregate classification (germline): Uncertain significance. Review status: criteria provided, multiple submitters, no conflicts (2 of 4 stars). 2 submissions from 2 submitters: Uncertain significance (2). Last evaluated 2026-02-09.

gnomAD v4.1: 1 of 1,599,826 alleles (0.000063%); highest among the groups gnomAD compares: South Asian, 0.0011%; no homozygotes.

Submissions (2):

GeneDx
Classification: Uncertain significance. Last evaluated: 2026-02-09. Review status: criteria provided, single submitter. Criteria: GeneDx Variant Classification Process June 2021. Collection method: clinical testing. Allele origin: germline.
Comment: Not observed at significant frequency in large population cohorts (gnomAD); In silico analysis suggests that this missense variant does not alter protein structure/function; Has not been previously published as pathogenic or benign to our knowledge

Labcorp Genetics (formerly Invitae), Labcorp
Classification: Uncertain significance. Last evaluated: 2022-09-06. Review status: criteria provided, single submitter. Criteria: Invitae Variant Classification Sherloc (09022015). Collection method: clinical testing. Allele origin: germline.
Comment: This sequence change replaces arginine, which is basic and polar, with glycine, which is neutral and non-polar, at codon 2297 of the SZT2 protein (p.Arg2297Gly). In summary, the available evidence is currently insufficient to determine the role of this variant in disease. Therefore, it has been classified as a Variant of Uncertain Significance. Algorithms developed to predict the effect of missense changes on protein structure and function (SIFT, PolyPhen-2, Align-GVGD) all suggest that this variant is likely to be tolerated. This variant has not been reported in the literature in individuals affected with SZT2-related conditions. This variant is present in population databases (no rsID available, gnomAD 0.004%).

NM_001365999.1(SZT2):c.7060C>G (p.Arg2354Gly)

Gene: SZT2 (SZT2 subunit of KICSTOR complex; plus strand). Cytogenetic location: 1p34.2.
Variant type: single nucleotide variant.
Coding change: c.7060C>G on transcript NM_001365999.1 (MANE Select); coding-DNA position 7060, C replaced by G.
Protein change: p.Arg2354Gly; replaces arginine 2354 with glycine.
Molecular consequence: missense variant.
Genome position (GRCh38, 1-based): chr1:43,439,898, C>G. VCF-style: chr1-43439898-C-G. GRCh37 (hg19) VCF-style: chr1-43905569-C-G.
Other names: c.6889C>G, p.Arg2297Gly (NM_015284.4); c.6889C>G (NM_015284.3); short protein forms R2297G, R2354G.
Identifiers: ClinVar variation 2428267 (VCV002428267.7), dbSNP rs141135758, ClinGen allele CA340033153.